The following is an entry in ClinVar:

ClinVar aggregate classification (germline): Uncertain significance. Review status: criteria provided, single submitter (1 of 4 stars). 2 submissions from 2 submitters: Uncertain significance (1). 1 of the submissions does not count toward it. Last evaluated 2025-07-03.

Conditions:
Nemaline myopathy 2 (NEM2). Also called: Nemaline myopathy 2, autosomal recessive. Identifiers: MedGen C1850569, MONDO:0009725, OMIM 256030.

Allele frequency attached by ClinVar (database versions not stated): gnomAD exomes below 0.00001.
gnomAD v4.1: 2 of 1,613,580 alleles (0.00012%); highest among the groups gnomAD compares: African/African-American, 0.0027%; no homozygotes.

Submissions (2):

Labcorp Genetics (formerly Invitae), Labcorp
Classification: Uncertain significance for Nemaline myopathy 2. Last evaluated: 2025-07-03. Review status: criteria provided, single submitter. Criteria: Invitae Variant Classification Sherloc (09022015). Collection method: clinical testing. Allele origin: germline.
Comment: This sequence change replaces glycine, which is neutral and non-polar, with arginine, which is basic and polar, at codon 1936 of the NEB protein (p.Gly1936Arg). This variant is not present in population databases (gnomAD no frequency). This variant has not been reported in the literature in individuals affected with NEB-related conditions. ClinVar contains an entry for this variant (Variation ID: 862017). Experimental studies and prediction algorithms are not available or were not evaluated, and the functional significance of this variant is currently unknown. In summary, the available evidence is currently insufficient to determine the role of this variant in disease. Therefore, it has been classified as a Variant of Uncertain Significance.

Natera, Inc.
Classification: Uncertain significance for Nemaline myopathy type 2. Last evaluated: 2020-03-10. Review status: no assertion criteria provided. Collection method: clinical testing. Allele origin: germline. Not counted in ClinVar's aggregate classification.

NM_001164508.2(NEB):c.5806G>A (p.Gly1936Arg)

Gene: NEB (nebulin; minus strand). Cytogenetic location: 2q23.3.
Variant type: single nucleotide variant.
Coding change: c.5806G>A on transcript NM_001164508.2 (MANE Select); coding-DNA position 5806, G replaced by A.
Protein change: p.Gly1936Arg; replaces glycine 1936 with arginine.
Molecular consequence: missense variant.
Genome position (GRCh38, 1-based): chr2:151,662,299, C>T on the plus strand (G>A on the coding strand, the complement: NEB is on the minus strand). VCF-style: chr2-151662299-C-T. GRCh37 (hg19) VCF-style: chr2-152518813-C-T.
Other names: c.5806G>A, p.Gly1936Arg (NM_001164507.2, NM_001271208.2, NM_004543.5); short protein forms G1936R.
Identifiers: ClinVar variation 862017 (VCV000862017.10), dbSNP rs997951612, ClinGen allele CA57642691.